The following is an entry in ClinVar:

NM_000179.3(MSH6):c.2198T>C (p.Met733Thr)

Gene: MSH6 (mutS homolog 6; plus strand). Cytogenetic location: 2p16.3.
Variant type: single nucleotide variant.
Coding change: c.2198T>C on transcript NM_000179.3 (MANE Select); coding-DNA position 2198, T replaced by C.
Protein change: p.Met733Thr; replaces methionine 733 with threonine.
Molecular consequence: missense variant.
Genome position (GRCh38, 1-based): chr2:47,800,181, T>C. VCF-style: chr2-47800181-T-C. GRCh37 (hg19) VCF-style: chr2-48027320-T-C.
Other names: c.1808T>C, p.Met603Thr (NM_001281492.2); c.1292T>C, p.Met431Thr (NM_001281493.2, NM_001281494.2, NM_001406811.1 and 6 more transcripts); c.2294T>C, p.Met765Thr (NM_001406795.1, NM_001406802.1); c.2198T>C, p.Met733Thr (NM_001406796.1, NM_001406798.1, NM_001406800.1 and 3 more transcripts); c.1901T>C, p.Met634Thr (NM_001406797.1, NM_001406801.1, NM_001406805.1 and 10 more transcripts); c.1673T>C, p.Met558Thr (NM_001406799.1, NM_001406806.1, NM_001406807.1); c.2120T>C, p.Met707Thr (NM_001406804.1); c.2204T>C, p.Met735Thr (NM_001406813.1); and 1 more; short protein forms M677T, M707T, M558T, M603T, M733T, M431T, M634T, M735T.
Identifiers: ClinVar variation 1787525 (VCV001787525.2), dbSNP rs2530656857, ClinGen allele CA346751342.
Genomic context (GRCh38, chr2:47,800,181, plus strand): 5'-ATTCTGACACAGTCAGCACTACAAGATCTGGTGCTATCTTCACCAAAGCCTATCAACGAA[T>C]GGTGCTAGATGCAGTGACATTAAACAACTTGGAGATTTTTCTGAATGGAACAAATGGTTC-3'
Protein context (NP_000170.1, residues 723-743): GAIFTKAYQR[Met733Thr]VLDAVTLNNL

ClinVar aggregate classification (germline): Uncertain significance (1 of 4 stars; one submission).

Conditions:
Hereditary cancer-predisposing syndrome. Also called: Neoplastic Syndromes, Hereditary; Tumor predisposition; Hereditary Cancer Syndrome; Hereditary neoplastic syndrome. Identifiers: Orphanet 140162, MedGen C0027672, MeSH D009386, MONDO:0015356.

Submission:

Ambry Genetics
Classification: Uncertain significance for Hereditary cancer-predisposing syndrome. Last evaluated: 2019-06-28. Review status: criteria provided, single submitter. Criteria: Ambry Variant Classification Scheme 2023. Collection method: clinical testing. Allele origin: germline.
Comment: The p.M733T variant (also known as c.2198T>C), located in coding exon 4 of the MSH6 gene, results from a T to C substitution at nucleotide position 2198. The methionine at codon 733 is replaced by threonine, an amino acid with similar properties. This amino acid position is well conserved in available vertebrate species. In addition, this alteration is predicted to be deleterious by in silico analysis. Since supporting evidence is limited at this time, the clinical significance of this alteration remains unclear.